The following is an entry in ClinVar:

NM_001089.3(ABCA3):c.1258C>T (p.Gln420Ter)

Gene: ABCA3 (ATP binding cassette subfamily A member 3; minus strand). Cytogenetic location: 16p13.3.
Variant type: single nucleotide variant.
Coding change: c.1258C>T on transcript NM_001089.3 (MANE Select); coding-DNA position 1258, C replaced by T.
Protein change: p.Gln420Ter; replaces glutamine 420 with a stop codon.
Molecular consequence: nonsense.
Genome position (GRCh38, 1-based): chr16:2,308,477, G>A on the plus strand (C>T on the coding strand, the complement: ABCA3 is on the minus strand). VCF-style: chr16-2308477-G-A. GRCh37 (hg19) VCF-style: chr16-2358478-G-A.
Other names: short protein forms Q420*.
Identifiers: ClinVar variation 2865553 (VCV002865553.3), dbSNP rs1391169179, ClinGen allele CA394339319.

ClinVar aggregate classification (germline): Pathogenic (1 of 4 stars; one submission).

Allele frequency attached by ClinVar (database versions not stated): TOPMed below 0.00001; gnomAD 0.00001.
gnomAD v4.1: 1 of 1,614,088 alleles (0.000062%); highest among the groups gnomAD compares: African/African-American, 0.0013%; no homozygotes.

Submission:

Labcorp Genetics (formerly Invitae), Labcorp
Classification: Pathogenic. Last evaluated: 2023-05-19. Review status: criteria provided, single submitter. Criteria: Invitae Variant Classification Sherloc (09022015). Collection method: clinical testing. Allele origin: germline.
Comment: This sequence change creates a premature translational stop signal (p.Gln420*) in the ABCA3 gene. It is expected to result in an absent or disrupted protein product. Loss-of-function variants in ABCA3 are known to be pathogenic (PMID: 27516224). This variant is not present in population databases (gnomAD no frequency). This variant has not been reported in the literature in individuals affected with ABCA3-related conditions. For these reasons, this variant has been classified as Pathogenic.

Literature cited by the submitters: PubMed 27516224.